The following is an entry in ClinVar:

ClinVar aggregate classification (germline): Likely benign. Review status: criteria provided, multiple submitters, no conflicts (2 of 4 stars). 3 submissions from 3 submitters: Likely benign (2). 1 of the submissions does not count toward it. Last evaluated 2025-09-30.

Conditions:
ABCC9-related disorder. Also called: ABCC9-related condition; ABCC9-related disorders.

Submissions (3):

Mayo Clinic Laboratories, Mayo Clinic
Classification: Likely benign. Last evaluated: 2025-09-30. Review status: criteria provided, single submitter. Criteria: ACMG Guidelines, 2015. Collection method: clinical testing. Allele origin: germline. Observed: 2 variant alleles.
Comment: BS1, BP4, BP7

Blueprint Genetics
Classification: Likely benign. Last evaluated: 2024-10-21. Review status: criteria provided, single submitter. Criteria: ACMG Guidelines, 2015. Collection method: clinical testing. Allele origin: germline.

PreventionGenetics, part of Exact Sciences
Classification: Likely benign for ABCC9-related condition. Last evaluated: 2022-03-09. Review status: no assertion criteria provided. Collection method: clinical testing. Allele origin: germline. Not counted in ClinVar's aggregate classification.
Comment: This variant is classified as likely benign based on ACMG/AMP sequence variant interpretation guidelines (Richards et al. 2015 PMID: 25741868, with internal and published modifications).

NM_020297.4(ABCC9):c.1165-7_1165-6dup

Gene: ABCC9 (ATP binding cassette subfamily C member 9; minus strand). Cytogenetic location: 12p12.1.
Variant type: Duplication.
Coding change: c.1165-7_1165-6dup on transcript NM_020297.4 (MANE Select); 7 bases into the intron before coding-DNA position 1165 through 6 bases into the intron before coding-DNA position 1165, 2 bases duplicated (TT; older notation c.1165-7_1165-6dupTT).
Molecular consequence: intron variant.
Genome position (GRCh38, 1-based): chr12:21,910,318-21,910,319, AA duplicated on the plus strand (TT on the coding strand, the reverse complement: ABCC9 is on the minus strand); duplicating any 2 consecutive bases within chr12:21,910,318-21,910,331 gives the same sequence; the c. name uses the placement nearest the transcript's 3' end. VCF-style (leftmost placement, unchanged base first): chr12-21910317-C-CAA. GRCh37 (hg19) VCF-style: chr12-22063251-C-CAA.
Other names: p.?; c.1165-7_1165-6dup (NM_005691.3, NM_005691.4, NM_001377273.1); c.301-7_301-6dup (NM_001377274.1).
Identifiers: ClinVar variation 3040132 (VCV003040132.4), dbSNP rs35857705, ClinGen allele CA6481708.